The following is an entry in ClinVar:

ClinVar aggregate classification (germline): Conflicting classifications of pathogenicity. Review status: criteria provided, conflicting classifications (1 of 4 stars). 3 submissions from 3 submitters: Uncertain significance (2); Likely benign (1). Last evaluated 2025-08-17.

Conditions:
Hereditary cancer-predisposing syndrome. Also called: Neoplastic Syndromes, Hereditary; Tumor predisposition; Hereditary neoplastic syndrome; Hereditary Cancer Syndrome. Identifiers: Orphanet 140162, MedGen C0027672, MeSH D009386, MONDO:0015356.
Hereditary breast ovarian cancer syndrome. Also called: Hereditary breast and ovarian cancer syndrome; Hereditary breast and ovarian cancer; Hereditary breast and ovarian cancer syndrome (HBOC); Breast and ovarian cancer; Hereditary breast and/or ovarian cancer syndrome; BRCA1- and BRCA2-Associated Hereditary Breast and Ovarian Cancer. Identifiers: Orphanet 145, MedGen C0677776, MeSH D061325, MONDO:0003582. Disease mechanism: loss of function.

Submissions (3):

Labcorp Genetics (formerly Invitae), Labcorp
Classification: Uncertain significance for Hereditary breast ovarian cancer syndrome. Last evaluated: 2025-08-17. Review status: criteria provided, single submitter. Criteria: Invitae Variant Classification Sherloc (09022015). Collection method: clinical testing. Allele origin: germline.
Comment: This sequence change replaces leucine, which is neutral and non-polar, with proline, which is neutral and non-polar, at codon 1227 of the BRCA2 protein (p.Leu1227Pro). This variant is not present in population databases (gnomAD no frequency). This variant has not been reported in the literature in individuals affected with BRCA2-related conditions. ClinVar contains an entry for this variant (Variation ID: 824065). Invitae Evidence Modeling of protein sequence and biophysical properties (such as structural, functional, and spatial information, amino acid conservation, physicochemical variation, residue mobility, and thermodynamic stability) indicates that this missense variant is not expected to disrupt BRCA2 protein function with a negative predictive value of 95%. In summary, the available evidence is currently insufficient to determine the role of this variant in disease. Therefore, it has been classified as a Variant of Uncertain Significance.

Ambry Genetics
Classification: Uncertain significance for Hereditary cancer-predisposing syndrome. Last evaluated: 2025-04-12. Review status: criteria provided, single submitter. Criteria: Ambry Variant Classification Scheme 2023. Collection method: clinical testing. Allele origin: germline.
Comment: The p.L1227P variant (also known as c.3680T>C), located in coding exon 10 of the BRCA2 gene, results from a T to C substitution at nucleotide position 3680. The leucine at codon 1227 is replaced by proline, an amino acid with similar properties. This amino acid position is not well conserved in available vertebrate species. In addition, this alteration is predicted to be deleterious by in silico analysis. Based on the available evidence, the clinical significance of this variant remains unclear.

University of Washington Department of Laboratory Medicine, University of Washington
Classification: Likely benign for Hereditary cancer-predisposing syndrome. Last evaluated: 2023-03-23. Review status: criteria provided, single submitter. Criteria: Dines et al. (Genet Med. 2020). Collection method: curation. Allele origin: germline.
Comment: Missense variant in a coldspot region where missense variants are very unlikely to be pathogenic (PMID:31911673).

BRCA2 exon 11 coldspot. Reclassification based on statistical prior probability.

NM_000059.4(BRCA2):c.3680T>C (p.Leu1227Pro)

Gene: BRCA2 (BRCA2 DNA repair associated; plus strand). Cytogenetic location: 13q13.1.
Variant type: single nucleotide variant.
Coding change: c.3680T>C on transcript NM_000059.4 (MANE Select); coding-DNA position 3680, T replaced by C.
Protein change: p.Leu1227Pro; replaces leucine 1227 with proline.
Molecular consequence: missense variant.
Genome position (GRCh38, 1-based): chr13:32,338,035, T>C. VCF-style: chr13-32338035-T-C. GRCh37 (hg19) VCF-style: chr13-32912172-T-C.
Other names: short protein forms L1227P.
Identifiers: ClinVar variation 824065 (VCV000824065.8), dbSNP rs1593900195, ClinGen allele CA387778010.